The following is an entry in ClinVar:

ClinVar aggregate classification (germline): Conflicting classifications of pathogenicity. Review status: criteria provided, conflicting classifications (1 of 4 stars). 4 submissions from 4 submitters: Uncertain significance (2); Likely benign (1). 1 of the submissions does not count toward it. Last evaluated 2023-10-12.

Conditions:
Hereditary cancer-predisposing syndrome. Also called: Tumor predisposition; Neoplastic Syndromes, Hereditary; Hereditary Cancer Syndrome; Hereditary neoplastic syndrome. Identifiers: Orphanet 140162, MedGen C0027672, MeSH D009386, MONDO:0015356.
APC-related disorder. Also called: APC-related condition.

Allele frequency attached by ClinVar (database versions not stated): TOPMed 0.00008; gnomAD exomes 0.00001; gnomAD 0.00002.
gnomAD v4.1: 14 of 985,458 alleles (0.0014%); highest among the groups gnomAD compares: Admixed American, 0.012%; no homozygotes.

Submissions (4):

Blueprint Genetics
Classification: Likely benign. Last evaluated: 2023-10-12. Review status: criteria provided, single submitter. Criteria: ACMG Guidelines, 2015. Collection method: clinical testing. Allele origin: germline.

Institute for Biomarker Research, Medical Diagnostic Laboratories, L.L.C.
Classification: Uncertain significance for Hereditary cancer-predisposing syndrome. Last evaluated: 2023-06-02. Review status: criteria provided, single submitter. Criteria: ACMG Guidelines, 2015. Collection method: clinical testing. Allele origin: germline.

Institute for Clinical Genetics, University Hospital TU Dresden, University Hospital TU Dresden
Classification: Uncertain significance. Last evaluated: 2021-11-03. Review status: criteria provided, single submitter. Criteria: ACMG Guidelines, 2015. Collection method: clinical testing. Allele origin: germline.

PreventionGenetics, part of Exact Sciences
Classification: Likely benign for APC-related condition. Last evaluated: 2019-05-22. Review status: no assertion criteria provided. Collection method: clinical testing. Allele origin: germline. Not counted in ClinVar's aggregate classification.
Comment: This variant is classified as likely benign based on ACMG/AMP sequence variant interpretation guidelines (Richards et al. 2015 PMID: 25741868, with internal and published modifications).

NM_001127511.3(APC):c.166-28443T>A

Gene: APC (APC regulator of Wnt signaling pathway; plus strand). Cytogenetic location: 5q22.2.
Variant type: single nucleotide variant.
Coding change: c.166-28443T>A on transcript NM_001127511.3; 28443 bases into the intron before coding-DNA position 166, T replaced by A.
Molecular consequence: intron variant.
Genome position (GRCh38, 1-based): chr5:112,737,883, T>A. VCF-style: chr5-112737883-T-A. GRCh37 (hg19) VCF-style: chr5-112073580-T-A.
Other names: c.-61T>A (NM_000038.4); c.-169T>A (NM_001127510.1); c.-1053-16990T>A (NM_001407470.1, NM_001407472.1); c.-18-16990T>A (NM_001407447.1, NM_001354895.2, NM_001407456.1 and 7 more transcripts); c.166-28443T>A (NM_001407446.1, NM_001354897.2, NM_001354902.2 and 1 more transcripts); c.-42-28443T>A (NM_001407453.1).
Identifiers: ClinVar variation 1319316 (VCV001319316.9), dbSNP rs751998391, ClinGen allele CA124951907.